The following is an entry in ClinVar:

NM_000037.4(ANK1):c.3705del (p.Val1236fs)

Gene: ANK1 (ankyrin 1; minus strand). Cytogenetic location: 8p11.21.
Variant type: Deletion.
Coding change: c.3705del on transcript NM_000037.4 (MANE Select); coding-DNA position 3705, one base deleted (A; older notation c.3705delA).
Protein change: p.Val1236fs; shifts the reading frame from valine 1236.
Molecular consequence: frameshift variant.
Genome position (GRCh38, 1-based): chr8:41,692,801, T deleted on the plus strand (A on the coding strand, the reverse complement: ANK1 is on the minus strand). VCF-style (leftmost placement, unchanged base first): chr8-41692800-CT-C. GRCh37 (hg19) VCF-style: chr8-41550318-CT-C.
Other names: c.3828del, p.Val1277fs (NM_001142446.2); c.3705del, p.Val1236fs (NM_020475.3, NM_020476.3, NM_020477.3); short protein forms V1236fs, V1277fs.
Identifiers: ClinVar variation 4725974 (VCV004725974.1).
Genomic context (GRCh38, chr8:41,692,800, plus strand): 5'-GGCGCCCCTCTCGGGGGTCATTCATCTTGGCAAAGATGACGAATTTGGCCATGTAGGGCA[CT>C]GCAGTGAGCTCTTTGTACAGCAGGGTGGCAAAGTTCACAGCCTCAGCAGTCCGAGGACAG-3'

ClinVar aggregate classification (germline): Pathogenic (1 of 4 stars; one submission).

Submission:

Labcorp Genetics (formerly Invitae), Labcorp
Classification: Pathogenic. Last evaluated: 2025-08-24. Review status: criteria provided, single submitter. Criteria: Invitae Variant Classification Sherloc (09022015). Collection method: clinical testing. Allele origin: germline.
Comment: This sequence change creates a premature translational stop signal (p.Val1236Cysfs*13) in the ANK1 gene. It is expected to result in an absent or disrupted protein product. Loss-of-function variants in ANK1 are known to be pathogenic (PMID: 8640229). This variant is not present in population databases (gnomAD no frequency). This variant has not been reported in the literature in individuals affected with ANK1-related conditions. For these reasons, this variant has been classified as Pathogenic.

Literature cited by the submitters: PubMed 8640229.